The following is an entry in ClinVar:

NM_001854.4(COL11A1):c.807T>C (p.Tyr269=)

Gene: COL11A1 (collagen type XI alpha 1 chain; minus strand). Cytogenetic location: 1p21.1.
Variant type: single nucleotide variant.
Coding change: c.807T>C on transcript NM_001854.4 (MANE Select); coding-DNA position 807, T replaced by C.
Protein change: p.Tyr269=; no amino-acid change (tyrosine 269 retained).
Molecular consequence: synonymous variant. On other transcripts: non-coding transcript variant (1), intron variant (2).
Genome position (GRCh38, 1-based): chr1:103,026,306, A>G on the plus strand (T>C on the coding strand, the complement: COL11A1 is on the minus strand). VCF-style: chr1-103026306-A-G. GRCh37 (hg19) VCF-style: chr1-103491862-A-G.
Other names: c.807T>C (NM_001854.3); c.807T>C, p.Tyr269= (NM_001168249.1, NM_080630.4); c.781-693T>C (NM_001190709.2); c.781-354T>C (NM_080629.3).
Identifiers: ClinVar variation 2801630 (VCV002801630.4), dbSNP rs1387166862, ClinGen allele CA419198304.

ClinVar aggregate classification (germline): Conflicting classifications of pathogenicity. Review status: criteria provided, conflicting classifications (1 of 4 stars). 2 submissions from 2 submitters: Uncertain significance (1); Likely benign (1). Last evaluated 2024-05-28.

Allele frequency attached by ClinVar (database versions not stated): gnomAD exomes below 0.00001; TOPMed below 0.00001; gnomAD 0.00001.
gnomAD v4.1: 3 of 1,612,890 alleles (0.00019%); highest among the groups gnomAD compares: Non-Finnish European, 0.00025%; no homozygotes.

Submissions (2):

GeneDx
Classification: Uncertain significance. Last evaluated: 2024-05-28. Review status: criteria provided, single submitter. Criteria: GeneDx Variant Classification Process June 2021. Collection method: clinical testing. Allele origin: germline. Affected: yes.
Comment: Has not been previously published as pathogenic or benign to our knowledge; Not observed at significant frequency in large population cohorts (gnomAD); In silico analysis indicates that this variant does not alter splicing

Labcorp Genetics (formerly Invitae), Labcorp
Classification: Likely benign. Last evaluated: 2022-10-16. Review status: criteria provided, single submitter. Criteria: Invitae Variant Classification Sherloc (09022015). Collection method: clinical testing. Allele origin: germline.